The following is an entry in ClinVar:

ClinVar aggregate classification (germline): Pathogenic (1 of 4 stars; one submission).

Conditions:
Neurofibromatosis, type 1 (NF1). Also called: VON RECKLINGHAUSEN DISEASE; Peripheral type neurofibromatosis; NEUROFIBROMATOSIS, TYPE I, SOMATIC; Neurofibromatosis, type I. Identifiers: Orphanet 636, MedGen C0027831, MONDO:0018975, OMIM 162200. Disease mechanism: loss of function.

Submission:

Labcorp Genetics (formerly Invitae), Labcorp
Classification: Pathogenic for Neurofibromatosis, type 1. Last evaluated: 2021-04-02. Review status: criteria provided, single submitter. Criteria: Invitae Variant Classification Sherloc (09022015). Collection method: clinical testing. Allele origin: germline.
Comment: For these reasons, this variant has been classified as Pathogenic. Retrotransposon insertions including LINE1 (L1), Alu, and SVA (SINE-VNTR-Alu) have been reported to be disease-causing through disruption of either a coding region or splice site (PMID: 19763152, 20307669, 22406018) and loss-of-function variants in NF1 are known to be pathogenic (PMID: 10712197, 23913538). This variant has not been reported in the literature in individuals with NF1-related conditions. This variant is not present in population databases (ExAC no frequency). This sequence change inserts a large fragment of DNA, likely a transposable element, in exon 48 of the NF1 gene (c.7209_7210ins?), causing a frameshift at codon 2404 (p.Asn2404fs). The exact size and sequence of the insertion cannot be determined by the current assay. However, the insertion is expected to result in an absent or disrupted protein product.

Literature cited by the submitters: PubMed 19763152; PubMed 20307669; PubMed 22406018; PubMed 10712197; PubMed 23913538.

NM_001042492.3(NF1):c.7272_7273insTATGTAGAAAGCTGAAACTGGATCCCTTCCTTACACCTTATACAAAAATCAATTCAAGATGGATTAAAGATTTAAACGTNNNNNNNNNNAAAAAAAAAAAAAAAAAAAAAACAAACACAGA (p.Asn2425delinsTyrValGluSerTer)

Gene: NF1 (neurofibromin 1; plus strand). Cytogenetic location: 17q11.2.
Variant type: Microsatellite.
Coding change: c.7272_7273insTATGTAGAAAGCTGAAACTGGATCCCTTCCTTACACCTTATACAAAAATCAATTCAAGATGGATTAAAGATTTAAACGTNNNNNNNNNNAAAAAAAAAAAAAAAAAAAAAACAAACACAGA on transcript NM_001042492.3 (MANE Select); coding-DNA positions 7272 to 7273, TATGTAGAAAGCTGAAACTGGATCCCTTCCTTACACCTTATACAAAAATCAATTCAAGATGGATTAAAGATTTAAACGTNNNNNNNNNNAAAAAAAAAAAAAAAAAAAAAACAAACACAGA inserted.
Protein change: p.Asn2425delinsTyrValGluSerTer.
Molecular consequence: nonsense. On other transcripts: frameshift variant (1).
Genome position: GRCh38: chr17:31,349,191-31,349,202. GRCh37 (hg19): chr17:29,676,209-29,676,220.
Other names: c.7198_7209AACA[2][1], p.His2402Glnfs (NM_000267.4).
Identifiers: ClinVar variation 1075884 (VCV001075884.5).